The following is an entry in ClinVar:

ClinVar aggregate classification (germline): Benign. Review status: criteria provided, multiple submitters, no conflicts (2 of 4 stars). 9 submissions from 9 submitters: Benign (8). 1 of the submissions does not count toward it. Last evaluated 2026-02-02.

Conditions:
Miller syndrome (POADS). Also called: Genee-Wiedemann acrofacial dysostosis; GENEE-WIEDEMANN SYNDROME. Identifiers: Orphanet 246, MedGen C0265257, MONDO:0009903, OMIM 263750.

Allele frequency attached by ClinVar (database versions not stated): ExAC 0.51902; gnomAD exomes 0.52158 and 0.55354; gnomAD 0.53989 and 0.54012; ESP Exome Variant Server 0.54465; TOPMed 0.55038; 1000 Genomes Project 0.56410; 1000 Genomes Project 30x 0.56652.
gnomAD v4.1: 812,261 of 1,551,792 alleles (52%); highest among the groups gnomAD compares: East Asian, 72%; 214,917 homozygotes.

Submissions (9):

Labcorp Genetics (formerly Invitae), Labcorp
Classification: Benign. Last evaluated: 2026-02-02. Review status: criteria provided, single submitter. Criteria: Invitae Variant Classification Sherloc (09022015). Collection method: clinical testing. Allele origin: germline.

Blueprint Genetics
Classification: Benign. Last evaluated: 2024-11-27. Review status: criteria provided, single submitter. Criteria: ACMG Guidelines, 2015. Collection method: clinical testing. Allele origin: germline.

Genome-Nilou Lab
Classification: Benign for Miller syndrome. Last evaluated: 2021-07-30. Review status: criteria provided, single submitter. Criteria: ACMG Guidelines, 2015. Collection method: clinical testing. Allele origin: germline. Affected: no.

GeneDx
Classification: Benign. Last evaluated: 2018-10-16. Review status: criteria provided, single submitter. Criteria: GeneDx Variant Classification Process June 2021. Collection method: clinical testing. Allele origin: germline. Affected: yes.

Illumina Laboratory Services, Illumina
Classification: Benign for Miller syndrome. Last evaluated: 2018-01-13. Review status: criteria provided, single submitter. Criteria: ICSL Variant Classification Criteria 13 December 2019. Collection method: clinical testing. Allele origin: germline.
Comment: This variant was observed in the ICSL laboratory as part of a predisposition screen in an ostensibly healthy population. It had not been previously curated by ICSL or reported in the Human Gene Mutation Database (HGMD: prior to June 1st, 2018), and was therefore a candidate for classification through an automated scoring system. Utilizing variant allele frequency, disease prevalence and penetrance estimates, and inheritance mode, an automated score was calculated to assess if this variant is too frequent to cause the disease. Based on the score and internal cut-off values, a variant classified as benign is not then subjected to further curation. The score for this variant resulted in a classification of benign for this disease.

Laboratory for Molecular Medicine, Mass General Brigham Personalized Medicine
Classification: Benign. Last evaluated: 2016-03-28. Review status: criteria provided, single submitter. Criteria: LMM Criteria. Collection method: clinical testing. Allele origin: germline.
Comment: Variant identified in a genome or exome case(s) and assessed due to predicted null impact of the variant or pathogenic assertions in the literature or databases. Disclaimer: This variant has not undergone full assessment. The following are preliminary notes: Frequency

Breakthrough Genomics
Classification: Benign. Review status: criteria provided, single submitter. Criteria: ACMG Guidelines, 2015. Collection method: not provided. Allele origin: germline. Inheritance: Autosomal recessive inheritance. Affected: yes.

PreventionGenetics, part of Exact Sciences
Classification: Benign. Review status: criteria provided, single submitter. Criteria: ACMG Guidelines, 2015. Collection method: clinical testing. Allele origin: germline.

Genetic Services Laboratory, University of Chicago
Classification: Likely benign for AllHighlyPenetrant. Review status: no assertion criteria provided. Collection method: clinical testing. Allele origin: germline. Inheritance: Autosomal dominant inheritance. Not counted in ClinVar's aggregate classification.
Comment: Likely benign based on allele frequency in 1000 Genomes Project or ESP global frequency and its presence in a patient with a rare or unrelated disease phenotype. NOT Sanger confirmed.

NM_001361.5(DHODH):c.19A>C (p.Lys7Gln)

Gene: DHODH (dihydroorotate dehydrogenase (quinone); plus strand). Cytogenetic location: 16q22.2.
Variant type: single nucleotide variant.
Coding change: c.19A>C on transcript NM_001361.5 (MANE Select); coding-DNA position 19, A replaced by C.
Protein change: p.Lys7Gln; replaces lysine 7 with glutamine.
Molecular consequence: missense variant.
Genome position (GRCh38, 1-based): chr16:72,008,783, A>C. VCF-style: chr16-72008783-A-C. GRCh37 (hg19) VCF-style: chr16-72042682-A-C.
Other names: short protein forms K7Q.
Identifiers: ClinVar variation 128895 (VCV000128895.26), dbSNP rs3213422, ClinGen allele CA152569.
Genomic context (GRCh38, chr16:72,008,783, plus strand): 5'-CAATGGAAGGGAGACAGGGGCGGGCTTAATGACGGAAGGAGCATGGCGTGGAGACACCTG[A>C]AAGTGAGTCCCGCGAGTGAGCAGTGTGGATGGGGGACCAGGGACCGGGGAGGGCGAGAAC-3'
Protein context (NP_001352.2, residues 1-17): MAWRHL[Lys7Gln]KRAQDAVIIL